The following is an entry in ClinVar:

NM_001374736.1(DST):c.5259A>C (p.Ser1753=)

Gene: DST (dystonin; minus strand). Cytogenetic location: 6p12.1.
Variant type: single nucleotide variant.
Coding change: c.5259A>C on transcript NM_001374736.1 (MANE Select); coding-DNA position 5259, A replaced by C.
Protein change: p.Ser1753=; no amino-acid change (serine 1753 retained).
Molecular consequence: synonymous variant.
Genome position (GRCh38, 1-based): chr6:56,610,451, T>G on the plus strand (A>C on the coding strand, the complement: DST is on the minus strand). VCF-style: chr6-56610451-T-G. GRCh37 (hg19) VCF-style: chr6-56475249-T-G.
Other names: c.5160A>C, p.Ser1720= (NM_001144769.5); c.4746A>C, p.Ser1582= (NM_001144770.2); c.5259A>C, p.Ser1753= (NM_001374722.1); c.4626A>C, p.Ser1542= (NM_001374729.1, NM_001374730.1, NM_001386100.1 and 1 more transcripts); c.5286A>C, p.Ser1762= (NM_001374734.1); c.3648A>C, p.Ser1216= (NM_015548.5).
Identifiers: ClinVar variation 2656673 (VCV002656673.24), dbSNP rs2098535440, ClinGen allele CA450490236.

ClinVar aggregate classification (germline): Likely benign (1 of 4 stars; one submission).

Submission:

CeGaT Center for Human Genetics Tuebingen
Classification: Likely benign. Last evaluated: 2023-08-01. Review status: criteria provided, single submitter. Criteria: CeGaT Center For Human Genetics Tuebingen Variant Classification Criteria Version 2. Collection method: clinical testing. Allele origin: germline. Affected: yes. Observed: 1 variant allele.
Comment: DST: PM2:Supporting, BP4, BP7